The following is an entry in ClinVar:

ClinVar aggregate classification (germline): Conflicting classifications of pathogenicity. Review status: criteria provided, conflicting classifications (1 of 4 stars). 2 submissions from 2 submitters: Uncertain significance (1); Likely benign (1). Last evaluated 2024-09-20.

Conditions:
Developmental and epileptic encephalopathy, 53. Also called: Epileptic encephalopathy, early infantile, 53. Identifiers: MedGen C4479313, MONDO:0033362, OMIM 617389.
Early-onset Parkinson disease 20. Also called: PARKINSON DISEASE 20, AUTOSOMAL RECESSIVE EARLY-ONSET. Identifiers: Orphanet 391411, MedGen C3809824, MONDO:0014233, OMIM 615530.

Allele frequency attached by ClinVar (database versions not stated): gnomAD exomes below 0.00001; gnomAD 0.00001.
gnomAD v4.1: 5 of 1,609,364 alleles (0.00031%); highest among the groups gnomAD compares: Middle Eastern, 0.016%; no homozygotes.

Submissions (2):

3billion
Classification: Likely benign for Developmental and epileptic encephalopathy, 53; Early-onset Parkinson disease 20. Last evaluated: 2024-09-20. Review status: criteria provided, single submitter. Criteria: ACMG Guidelines, 2015. Collection method: clinical testing. Allele origin: germline. Affected: no.
Comment: The homozygous variant was found in patients diagnosed with another variant in a different gene, with no symptoms related to the gene containing the homozygous variant.

Labcorp Genetics (formerly Invitae), Labcorp
Classification: Uncertain significance for Developmental and epileptic encephalopathy, 53; Early-onset Parkinson disease 20. Last evaluated: 2020-03-19. Review status: criteria provided, single submitter. Criteria: Invitae Variant Classification Sherloc (09022015). Collection method: clinical testing. Allele origin: germline.
Comment: In summary, the available evidence is currently insufficient to determine the role of this variant in disease. Therefore, it has been classified as a Variant of Uncertain Significance. Algorithms developed to predict the effect of missense changes on protein structure and function (SIFT, PolyPhen-2, Align-GVGD) all suggest that this variant is likely to be tolerated, but these predictions have not been confirmed by published functional studies and their clinical significance is uncertain. This variant has not been reported in the literature in individuals with SYNJ1-related conditions. This variant is not present in population databases (ExAC no frequency). This sequence change replaces alanine with threonine at codon 1042 of the SYNJ1 protein (p.Ala1042Thr). The alanine residue is moderately conserved and there is a small physicochemical difference between alanine and threonine.

NM_203446.3(SYNJ1):c.3007G>A (p.Ala1003Thr)

Gene: SYNJ1 (synaptojanin 1; minus strand). Cytogenetic location: 21q22.11.
Variant type: single nucleotide variant.
Coding change: c.3007G>A on transcript NM_203446.3 (MANE Select); coding-DNA position 3007, G replaced by A.
Protein change: p.Ala1003Thr; replaces alanine 1003 with threonine.
Molecular consequence: missense variant.
Genome position (GRCh38, 1-based): chr21:32,650,214, C>T on the plus strand (G>A on the coding strand, the complement: SYNJ1 is on the minus strand). VCF-style: chr21-32650214-C-T. GRCh37 (hg19) VCF-style: chr21-34022524-C-T.
Other names: c.3007G>A, p.Ala1003Thr (NM_001160302.2); c.2992G>A, p.Ala998Thr (NM_001160306.2); c.3124G>A, p.Ala1042Thr (NM_003895.4); short protein forms A998T, A1042T, A1003T.
Identifiers: ClinVar variation 1034741 (VCV001034741.8), dbSNP rs911362591, ClinGen allele CA319424082.